The following is an entry in ClinVar:

ClinVar aggregate classification (germline): Likely benign (0 of 4 stars; one submission).

Conditions:
NOTCH2-related disorder. Also called: NOTCH2-related condition.

Submission:

PreventionGenetics, part of Exact Sciences
Classification: Likely benign for NOTCH2-related condition. Last evaluated: 2022-10-31. Review status: no assertion criteria provided. Collection method: clinical testing. Allele origin: germline.
Comment: This variant is classified as likely benign based on ACMG/AMP sequence variant interpretation guidelines (Richards et al. 2015 PMID: 25741868, with internal and published modifications).

NM_024408.4(NOTCH2):c.1350A>G (p.Gly450=)

Gene: NOTCH2 (notch receptor 2; minus strand). Cytogenetic location: 1p12.
Variant type: single nucleotide variant.
Coding change: c.1350A>G on transcript NM_024408.4 (MANE Select); coding-DNA position 1350, A replaced by G.
Protein change: p.Gly450=; no amino-acid change (glycine 450 retained).
Molecular consequence: synonymous variant.
Genome position (GRCh38, 1-based): chr1:119,967,536, T>C on the plus strand (A>G on the coding strand, the complement: NOTCH2 is on the minus strand). VCF-style: chr1-119967536-T-C. GRCh37 (hg19) VCF-style: chr1-120510159-T-C.
Other names: c.1350A>G, p.Gly450= (NM_001200001.2).
Identifiers: ClinVar variation 3045057 (VCV003045057.2), dbSNP rs2526304202, ClinGen allele CA420038036.